The following is an entry in ClinVar:

NC_000002.11:g.(?_219136268)_(219139498_?)del

Genes: PNKD (PNKD metallo-beta-lactamase domain containing; plus strand), TMBIM1 (transmembrane BAX inhibitor motif containing 1; minus strand). Cytogenetic location: 2q35.
Variant type: Deletion.
Identifiers: ClinVar variation 3247330 (VCV003247330.1).

ClinVar aggregate classification (germline): Uncertain significance (1 of 4 stars; one submission).

Conditions:
Paroxysmal nonkinesigenic dyskinesia. Also called: Paroxysmal non-kinesigenic dyskinesia. Identifiers: Orphanet 98810, MedGen C1869117, MONDO:0700088.

Submission:

Labcorp Genetics (formerly Invitae), Labcorp
Classification: Uncertain significance for Paroxysmal nonkinesigenic dyskinesia. Last evaluated: 2023-09-27. Review status: criteria provided, single submitter. Criteria: Invitae Variant Classification Sherloc (09022015). Collection method: clinical testing. Allele origin: unknown.
Comment: This variant results in the deletion of part of exon 2 (c.232_236+3226del) of the PNKD gene. It is expected to disrupt RNA splicing. Variants that disrupt the donor or acceptor splice site typically lead to a loss of protein function (PMID: 16199547), however the current clinical and genetic evidence is not sufficient to establish whether loss-of-function variants in PNKD cause disease. This variant has not been reported in the literature in individuals affected with PNKD-related conditions. In summary, the available evidence is currently insufficient to determine the role of this variant in disease. Therefore, it has been classified as a Variant of Uncertain Significance.

Literature cited by the submitters: PubMed 16199547.